The following is an entry in ClinVar:

NM_001267550.2(TTN):c.45583del (p.Ala15195fs)

Genes: TTN (titin; minus strand), LOC126806427 (BRD4-independent group 4 enhancer GRCh37_chr2:179485777-179486976; plus strand). Cytogenetic location: 2q31.2.
Variant type: Deletion.
Coding change: c.45583del on transcript NM_001267550.2 (MANE Select); coding-DNA position 45583, one base deleted (G; older notation c.45583delG).
Protein change: p.Ala15195fs; shifts the reading frame from alanine 15195.
Molecular consequence: frameshift variant.
Genome position (GRCh38, 1-based): chr2:178,621,135, C deleted on the plus strand (G on the coding strand, the reverse complement: TTN is on the minus strand); the first of 4 consecutive C bases (chr2:178,621,135-178,621,138); deleting any one gives the same sequence. VCF-style (leftmost placement, unchanged base first): chr2-178621134-GC-G. GRCh37 (hg19) VCF-style: chr2-179485861-GC-G.
Other names: c.40660del, p.Ala13554fs (NM_001256850.1); c.18388del, p.Ala6130fs (NM_003319.4); c.37879del, p.Ala12627fs (NM_133378.4); c.18763del, p.Ala6255fs (NM_133432.3); c.18964del, p.Ala6322fs (NM_133437.4); short protein forms A12627fs, A15195fs, A6130fs, A6255fs, A6322fs, A13554fs.
Identifiers: ClinVar variation 1399265 (VCV001399265.8), dbSNP rs2154211651, ClinGen allele CA2573133805.
Genomic context (GRCh38, chr2:178,621,134, plus strand): 5'-AAAACCCTAAAAGCAAGAACAAACTTACCAATGACTGTCAAGTGAGCTGCTGCTCTGGCG[GC>G]CCCTACCATGACAACGTAAGTGCCCATATCTTGTAATGTGGCATCTTTCACAACTAGGAC-3'

ClinVar aggregate classification (germline): Likely pathogenic (1 of 4 stars; one submission).

Conditions:
Dilated cardiomyopathy 1G (CMD1G). Identifiers: Orphanet 154, MedGen C1858763, MONDO:0011400, OMIM 604145.
Autosomal recessive limb-girdle muscular dystrophy type 2J (LGMDR10). Also called: Limb-girdle muscular dystrophy, type 2J; MUSCULAR DYSTROPHY, LIMB-GIRDLE, AUTOSOMAL RECESSIVE 10. Identifiers: Orphanet 140922, MedGen C1837342, MONDO:0012127, OMIM 608807.

Submission:

Labcorp Genetics (formerly Invitae), Labcorp
Classification: Likely pathogenic for Dilated cardiomyopathy 1G; Autosomal recessive limb-girdle muscular dystrophy type 2J. Last evaluated: 2024-10-18. Review status: criteria provided, single submitter. Criteria: Invitae Variant Classification Sherloc (09022015). Collection method: clinical testing. Allele origin: germline.
Comment: This sequence change creates a premature translational stop signal (p.Ala15195Profs*8) in the TTN gene. While this is not anticipated to result in nonsense mediated decay, it is expected to create a truncated TTN protein. This variant is not present in population databases (gnomAD no frequency). This variant has not been observed in the literature in individuals with autosomal recessive TTN-related conditions. This variant has been reported in individual(s) with clinical features of dilated cardiomyopathy or left ventricular noncompaction (PMID: 30165862); however, the role of the variant in this condition is currently unclear. This variant is also known as c.37879delG (p.Ala12627fs). ClinVar contains an entry for this variant (Variation ID: 1399265). This variant is located in the I band of TTN (PMID: 25589632). Truncating variants in this region have been reported in individuals affected with autosomal recessive centronuclear myopathy (PMID: 23975875, internal data). Truncating variants in this region have also been identified in individuals affected with autosomal dominant dilated cardiomyopathy and/or cardio-related conditions (PMID: 27869827, 32964742, internal data). In summary, the currently available evidence indicates that the variant is pathogenic, but additional data are needed to prove that conclusively. Therefore, this variant has been classified as Likely Pathogenic.

Literature cited by the submitters: PubMed 30165862; PubMed 25589632; PubMed 23975875; PubMed 27869827; PubMed 32964742.